The following is an entry in ClinVar:

ClinVar aggregate classification (germline): Uncertain significance (1 of 4 stars; one submission).

Allele frequency attached by ClinVar (database versions not stated): gnomAD exomes 0.00001; TOPMed 0.00001.
gnomAD v4.1: 12 of 1,612,370 alleles (0.00074%); highest among the groups gnomAD compares: Admixed American, 0.0017%; no homozygotes.

Submission:

GeneDx
Classification: Uncertain significance. Last evaluated: 2020-10-28. Review status: criteria provided, single submitter. Criteria: GeneDx Variant Classification Process June 2021. Collection method: clinical testing. Allele origin: germline. Affected: yes.
Comment: Not observed at a significant frequency in large population cohorts (Lek et al., 2016); In silico analysis supports that this missense variant has a deleterious effect on protein structure/function; Has not been previously published as pathogenic or benign to our knowledge

NM_000092.5(COL4A4):c.2888G>A (p.Gly963Glu)

Gene: COL4A4 (collagen type IV alpha 4 chain; minus strand). Cytogenetic location: 2q36.3.
Variant type: single nucleotide variant.
Coding change: c.2888G>A on transcript NM_000092.5 (MANE Select); coding-DNA position 2888, G replaced by A.
Protein change: p.Gly963Glu; replaces glycine 963 with glutamic acid.
Molecular consequence: missense variant.
Genome position (GRCh38, 1-based): chr2:227,052,385, C>T on the plus strand (G>A on the coding strand, the complement: COL4A4 is on the minus strand). VCF-style: chr2-227052385-C-T. GRCh37 (hg19) VCF-style: chr2-227917101-C-T.
Other names: short protein forms G963E.
Identifiers: ClinVar variation 1313406 (VCV001313406.2), dbSNP rs1396467090, ClinGen allele CA350839491.
Genomic context (GRCh38, chr2:227,052,385, plus strand): 5'-TCATCTCCAGGAGGTCCAGGTTCCCCAGGTGTTCCCTTTTGTGAAATGATAGCCATTTCT[C>T]CTTCATCTCCGGGAGGTCCTATGGCTCCTATGGATATTAATTATGCAAGAACAAAATGAA-3'
Protein context (NP_000083.3, residues 953-973): KGAIGPPGDE[Gly963Glu]EMAIISQKGT